The following is an entry in ClinVar:

NM_181882.3(PRX):c.2425C>T (p.Leu809=)

Gene: PRX (periaxin; minus strand). Cytogenetic location: 19q13.2.
Variant type: single nucleotide variant.
Coding change: c.2425C>T on transcript NM_181882.3 (MANE Select); coding-DNA position 2425, C replaced by T.
Protein change: p.Leu809=; no amino-acid change (leucine 809 retained).
Molecular consequence: synonymous variant. On other transcripts: 3 prime UTR variant (1).
Genome position (GRCh38, 1-based): chr19:40,395,927, G>A on the plus strand (C>T on the coding strand, the complement: PRX is on the minus strand). VCF-style: chr19-40395927-G-A. GRCh37 (hg19) VCF-style: chr19-40901834-G-A.
Other names: c.*2630C>T (NM_020956.2).
Identifiers: ClinVar variation 704058 (VCV000704058.11), dbSNP rs145272609, ClinGen allele CA9444057.

ClinVar aggregate classification (germline): Likely benign. Review status: criteria provided, multiple submitters, no conflicts (2 of 4 stars). 2 submissions from 2 submitters: Likely benign (2). Last evaluated 2026-01-27.

Conditions:
Charcot-Marie-Tooth disease type 4. Also called: Charcot-Marie-Tooth disease, type IV; Charcot-Marie-Tooth, Type 4. Identifiers: Orphanet 64749, MedGen C4082197, MONDO:0018995.
PRX-related disorder. Also called: PRX-Related Disorders; PRX-related condition.

Allele frequency attached by ClinVar (database versions not stated): ExAC 0.00001; gnomAD exomes 0.00001 and 0.00002; gnomAD 0.00003; TOPMed 0.00004; ESP Exome Variant Server 0.00008.
gnomAD v4.1: 19 of 1,614,040 alleles (0.0012%); highest among the groups gnomAD compares: African/African-American, 0.0027%; no homozygotes.

Submissions (2):

PreventionGenetics, part of Exact Sciences
Classification: Likely benign for PRX-related condition. Last evaluated: 2026-01-27. Review status: criteria provided, single submitter. Criteria: ACMG Guidelines, 2015. Collection method: clinical testing. Allele origin: germline.
Comment: This variant is classified as likely benign based on ACMG/AMP sequence variant interpretation guidelines (Richards et al. 2015 PMID: 25741868, with internal and published modifications).

Labcorp Genetics (formerly Invitae), Labcorp
Classification: Likely benign for Charcot-Marie-Tooth disease type 4. Last evaluated: 2025-09-03. Review status: criteria provided, single submitter. Criteria: Invitae Variant Classification Sherloc (09022015). Collection method: clinical testing. Allele origin: germline.